The following is an entry in ClinVar:

ClinVar aggregate classification (germline): Pathogenic. Review status: criteria provided, multiple submitters, no conflicts (2 of 4 stars). 2 submissions from 2 submitters: Pathogenic (2). Last evaluated 2024-05-08.

Conditions:
Cockayne syndrome type 1. Also called: Cockayne syndrome type I; Cockayne syndrome classical; Cockayne syndrome classic form. Identifiers: Orphanet 191, Orphanet 90321, MedGen C0751039, MONDO:0019569, OMIM 216400.

Allele frequency attached by ClinVar (database versions not stated): gnomAD exomes below 0.00001; gnomAD 0.00001; TOPMed below 0.00001.

Submissions (2):

Myriad Genetics, Inc.
Classification: Pathogenic for Cockayne syndrome type 1. Last evaluated: 2024-05-08. Review status: criteria provided, single submitter. Criteria: Myriad Autosomal Dominant, Autosomal Recessive and X-Linked Classification Criteria (2023). Collection method: clinical testing. Allele origin: unknown.
Comment: NM_000082.3(ERCC8):c.914C>G(S305*) is expected to be pathogenic in the context of ERCC8-related disorders. This variant is predicted to lead to an abnormal or absent protein product due to the creation of a premature termination codon in ERCC8, a gene where loss-of-function variants are known to be pathogenic. Please note: this variant was assessed in the context of healthy population screening.

Labcorp Genetics (formerly Invitae), Labcorp
Classification: Pathogenic. Last evaluated: 2023-07-15. Review status: criteria provided, single submitter. Criteria: Invitae Variant Classification Sherloc (09022015). Collection method: clinical testing. Allele origin: germline.
Comment: For these reasons, this variant has been classified as Pathogenic. ClinVar contains an entry for this variant (Variation ID: 1401819). This variant has not been reported in the literature in individuals affected with ERCC8-related conditions. This variant is not present in population databases (gnomAD no frequency). This sequence change creates a premature translational stop signal (p.Ser305*) in the ERCC8 gene. It is expected to result in an absent or disrupted protein product. Loss-of-function variants in ERCC8 are known to be pathogenic (PMID: 29572252).

Literature cited by the submitters: PubMed 29572252 (cited by Labcorp Genetics (formerly Invitae), Labcorp).

NM_000082.4(ERCC8):c.914C>G (p.Ser305Ter)

Gene: ERCC8 (ERCC excision repair 8, CSA ubiquitin ligase complex subunit; minus strand). Cytogenetic location: 5q12.1.
Variant type: single nucleotide variant.
Coding change: c.914C>G on transcript NM_000082.4 (MANE Select); coding-DNA position 914, C replaced by G.
Protein change: p.Ser305Ter; replaces serine 305 with a stop codon.
Molecular consequence: nonsense.
Genome position (GRCh38, 1-based): chr5:60,891,016, G>C on the plus strand (C>G on the coding strand, the complement: ERCC8 is on the minus strand). VCF-style: chr5-60891016-G-C. GRCh37 (hg19) VCF-style: chr5-60186843-G-C.
Other names: c.740C>G, p.Ser247Ter (NM_001007233.3); c.455C>G, p.Ser152Ter (NM_001290285.2); short protein forms S152*, S247*, S305*.
Identifiers: ClinVar variation 1401819 (VCV001401819.7), dbSNP rs1470255196, ClinGen allele CA359823420.